The following is an entry in ClinVar:

ClinVar aggregate classification (germline): Pathogenic (1 of 4 stars; one submission).

Submission:

GeneDx
Classification: Pathogenic. Last evaluated: 2015-11-16. Review status: criteria provided, single submitter. Criteria: GeneDx Variant Classification (06012015). Collection method: clinical testing. Allele origin: germline. Affected: yes.
Comment: The c.844+2T>A pathogenic variant in the COG4 gene has not been reported previously as a pathogenic variant nor as a benign variant, to our knowledge. This splice site variant destroys the canonical splice donor site in intron 6. It is predicted to cause abnormal gene splicing, either leading to an abnormal message that is subject to nonsense-mediated mRNA decay, or to an abnormal protein product if the message is used for protein translation. The c.844+2T>A variant was not observed in approximately 6500 individuals of European and African American ancestry in the NHLBI Exome Sequencing Project, indicating it is not a common benign variant in these populations. We interpret c.844+2T>A as a pathogenic variant.

NM_015386.3(COG4):c.844+2T>A

Gene: COG4 (component of oligomeric golgi complex 4; minus strand). Cytogenetic location: 16q22.1.
Variant type: single nucleotide variant.
Coding change: c.844+2T>A on transcript NM_015386.3 (MANE Select); the canonical splice donor site of the intron after coding-DNA position 844, T replaced by A.
Molecular consequence: splice donor variant.
Genome position (GRCh38, 1-based): chr16:70,509,914, A>T on the plus strand (T>A on the coding strand, the complement: COG4 is on the minus strand). VCF-style: chr16-70509914-A-T. GRCh37 (hg19) VCF-style: chr16-70543817-A-T.
Other names: c.832+2T>A (NM_001195139.2); c.418+2T>A (NM_001365426.1).
Identifiers: ClinVar variation 449595 (VCV000449595.2), dbSNP rs1555497029, ClinGen allele CA396576210.